The following is an entry in ClinVar:

NM_024642.5(GALNT12):c.*7G>A

Gene: GALNT12 (polypeptide N-acetylgalactosaminyltransferase 12; plus strand). Cytogenetic location: 9q22.33.
Variant type: single nucleotide variant.
Coding change: c.*7G>A on transcript NM_024642.5 (MANE Select); 7 bases downstream of the stop codon, G replaced by A.
Molecular consequence: 3 prime UTR variant.
Genome position (GRCh38, 1-based): chr9:98,849,099, G>A. VCF-style: chr9-98849099-G-A. GRCh37 (hg19) VCF-style: chr9-101611381-G-A.
Identifiers: ClinVar variation 4875944 (VCV004875944.1).

ClinVar aggregate classification (germline): Benign (1 of 4 stars; one submission).

Conditions:
Colorectal cancer, susceptibility to, 1. Also called: COLORECTAL ADENOMA AND CANCER, SUSCEPTIBILITY TO; COLORECTAL CANCER, SUSCEPTIBILITY TO, ON CHROMOSOME 9. Identifiers: MedGen C1837315, MONDO:0012132, OMIM 608812.

gnomAD v4.1: 23 of 1,613,986 alleles (0.0014%); highest among the groups gnomAD compares: African/African-American, 0.0067%; no homozygotes.

Submission:

Myriad Genetics, Inc.
Classification: Benign for Colorectal cancer, susceptibility to, 1. Last evaluated: 2026-04-28. Review status: criteria provided, single submitter. Criteria: Myriad Autosomal Dominant, Autosomal Recessive and X-Linked Classification Criteria (2023). Collection method: clinical testing. Allele origin: unknown.
Comment: This variant is considered benign. This variant occurs in the non-coding 3' untranslated region of the gene, and is not expected to impact protein function.